The following is an entry in ClinVar:

NM_000133.4(F9):c.392-1G>C

Gene: F9 (coagulation factor IX; plus strand). Cytogenetic location: Xq27.1.
Variant type: single nucleotide variant.
Coding change: c.392-1G>C on transcript NM_000133.4 (MANE Select); the canonical splice acceptor site of the intron before coding-DNA position 392, G replaced by C.
Molecular consequence: splice acceptor variant.
Genome position (GRCh38, 1-based): chrX:139,548,362, G>C. VCF-style: chrX-139548362-G-C. GRCh37 (hg19) VCF-style: chrX-138630521-G-C.
Other names: c.278-1G>C (NM_001313913.2).
Identifiers: ClinVar variation 811514 (VCV000811514.9), dbSNP rs1603265480, ClinGen allele CA414438753.

ClinVar aggregate classification (germline): Pathogenic. Review status: criteria provided, multiple submitters, no conflicts (2 of 4 stars). 2 submissions from 2 submitters: Pathogenic (2). Last evaluated 2026-09-16.

Conditions:
Hereditary factor IX deficiency disease (HEMB). Also called: F9 DEFICIENCY; FACTOR IX DEFICIENCY; Christmas Disease; PLASMA THROMBOPLASTIN COMPONENT DEFICIENCY; Hemophilia B. Identifiers: Orphanet 98879, MedGen C0008533, MeSH D002836, MONDO:0010604, OMIM 306900.

Submissions (2):

Clinical Genetics Laboratory, Skane University Hospital Lund
Classification: Pathogenic for Hereditary factor IX deficiency disease. Last evaluated: 2026-09-16. Review status: criteria provided, single submitter. Criteria: ACMG Guidelines, 2015. Collection method: clinical testing. Allele origin: germline. Inheritance: X-linked inheritance. Affected: yes.
Comment: F9 (NM_000133.4) c.392-1G>C, p.? is a nucleotide substitution at the acceptor splice site of intron 4 of 7, which is likely to result in altered splicing of exon 5 of 8 and consequently a truncated or absent protein. F9 c.392-1G>C has not been observed in males in the general population (gnomAD v4.1.1) and has previously been reported as pathogenic in the ClinVar database (Accession: VCV000811514.8). A different nucleotide substitution at the same splice site is interpreted as likely pathogenic (c.392-1G>A). The variant has been classified as pathogenic using gene-specific criteria (ClinGen Coagulation Factor Deficiency Expert Panel Specifications to the ACMG/AMP Variant Interpretation Guidelines for F9 Version 2.1.0): PVS1, PS1_Moderate, PS4_Strong, PM2_Supporting.

ARUP Laboratories, Molecular Genetics and Genomics, ARUP Laboratories
Classification: Pathogenic. Last evaluated: 2019-05-14. Review status: criteria provided, single submitter. Criteria: ARUP Molecular Germline Variant Investigation Process. Collection method: clinical testing. Allele origin: germline.
Comment: The F9 c.392-1G>C variant has been described in several individuals affected with hemophilia B (see link to F9 database and references therein, Green 1991). It is absent from general population databases (Exome Variant Server and Genome Aggregation Database), indicating it is not a common polymorphism. This variant abolishes the canonical splice acceptor site of intron 4, which is likely to disrupt gene function. Additionally, other variants at this position (c.392-1G>A and c.392-1G>T) have been described in association with hemophilia B and are considered pathogenic (Li 2000, Young 1996). Based on available information, the c.392-1G>C variant is considered pathogenic. REFERENCES Link to F9 database: Green P et al. Haemophilia B mutations in a complete Swedish population sample: a test of new strategy for the genetic counselling of diseases with high mutational heterogeneity. Br J Haematol. 1991 Jul;78(3):390-7. Li X et al. Factor IX mutations in South Africans and African Americans are compatible with primarily endogenous influences upon recent germline mutations. Hum Mutat. 2000 Oct;16(4):371. Young J et al. Prenatal and molecular diagnosis of hemophilia B. Am J Hematol. 1996 Aug;52(4):243-7.

Literature cited by the submitters: PubMed 10090477 (cited by Clinical Genetics Laboratory, Skane University Hospital Lund); PubMed 1873221 (cited by Clinical Genetics Laboratory, Skane University Hospital Lund); PubMed 22103590 (cited by Clinical Genetics Laboratory, Skane University Hospital Lund); PubMed 8701940 (cited by Clinical Genetics Laboratory, Skane University Hospital Lund); PubMed 11013449 (cited by Clinical Genetics Laboratory, Skane University Hospital Lund); PubMed 24375831 (cited by Clinical Genetics Laboratory, Skane University Hospital Lund).